The following is an entry in ClinVar:

NM_000051.4(ATM):c.2775G>T (p.Arg925Ser)

Gene: ATM (ATM serine/threonine kinase; plus strand). Cytogenetic location: 11q22.3.
Variant type: single nucleotide variant.
Coding change: c.2775G>T on transcript NM_000051.4 (MANE Select); coding-DNA position 2775, G replaced by T.
Protein change: p.Arg925Ser; replaces arginine 925 with serine.
Molecular consequence: missense variant.
Genome position (GRCh38, 1-based): chr11:108,268,546, G>T. VCF-style: chr11-108268546-G-T. GRCh37 (hg19) VCF-style: chr11-108139273-G-T.
Other names: c.2775G>T, p.Arg925Ser (NM_001351834.2); short protein forms R925S.
Identifiers: ClinVar variation 1054020 (VCV001054020.9), dbSNP rs1591594506, ClinGen allele CA382545537.

ClinVar aggregate classification (germline): Uncertain significance (1 of 4 stars; one submission).

Conditions:
Ataxia-telangiectasia syndrome (AT). Also called: ATAXIA-TELANGIECTASIA, FRESNO VARIANT; Ataxia-telangiectasia, complementation group E; ATAXIA-TELANGIECTASIA, COMPLEMENTATION GROUP A; LOUIS-BAR SYNDROME; Ataxia-telangiectasia, complementation group D; AT, COMPLEMENTATION GROUP C. Identifiers: Orphanet 100, MedGen C0004135, MONDO:0008840, OMIM 208900.

Submission:

Labcorp Genetics (formerly Invitae), Labcorp
Classification: Uncertain significance for Ataxia-telangiectasia syndrome. Last evaluated: 2020-08-23. Review status: criteria provided, single submitter. Criteria: Invitae Variant Classification Sherloc (09022015). Collection method: clinical testing. Allele origin: germline.
Comment: This sequence change replaces arginine with serine at codon 925 of the ATM protein (p.Arg925Ser). The arginine residue is highly conserved and there is a moderate physicochemical difference between arginine and serine. This variant is not present in population databases (ExAC no frequency). This variant has not been reported in the literature in individuals with ATM-related conditions. Advanced modeling of protein sequence and biophysical properties (such as structural, functional, and spatial information, amino acid conservation, physicochemical variation, residue mobility, and thermodynamic stability) performed at Invitae indicates that this missense variant is not expected to disrupt ATM protein function. In summary, the available evidence is currently insufficient to determine the role of this variant in disease. Therefore, it has been classified as a Variant of Uncertain Significance.